The following is an entry in ClinVar:

NM_000256.3(MYBPC3):c.140G>A (p.Ser47Asn)

Gene: MYBPC3 (myosin binding protein C3; minus strand). Cytogenetic location: 11p11.2.
Variant type: single nucleotide variant.
Coding change: c.140G>A on transcript NM_000256.3 (MANE Select); coding-DNA position 140, G replaced by A.
Protein change: p.Ser47Asn; replaces serine 47 with asparagine.
Molecular consequence: missense variant.
Genome position (GRCh38, 1-based): chr11:47,351,391, C>T on the plus strand (G>A on the coding strand, the complement: MYBPC3 is on the minus strand). VCF-style: chr11-47351391-C-T. GRCh37 (hg19) VCF-style: chr11-47372942-C-T.
Other names: short protein forms S47N.
Identifiers: ClinVar variation 1004745 (VCV001004745.12), dbSNP rs1565631851, ClinGen allele CA380341851.

ClinVar aggregate classification (germline): Uncertain significance. Review status: criteria provided, multiple submitters, no conflicts (2 of 4 stars). 4 submissions from 4 submitters: Uncertain significance (4). Last evaluated 2026-06-22.

Conditions:
Cardiovascular phenotype. Identifiers: MedGen CN230736.
Hypertrophic cardiomyopathy. Also called: HYPERTROPHIC MYOCARDIOPATHY. Identifiers: Orphanet 217569, MedGen C0007194, MeSH D002312, MONDO:0005045, HP:0001639.

Allele frequency attached by ClinVar (database versions not stated): gnomAD below 0.00001 and 0.00001; gnomAD exomes below 0.00001; TOPMed below 0.00001.
gnomAD v4.1: 3 of 1,609,616 alleles (0.00019%); highest among the groups gnomAD compares: Middle Eastern, 0.016%; no homozygotes.

Submissions (4):

Ambry Genetics
Classification: Uncertain significance for Cardiovascular phenotype. Last evaluated: 2026-06-22. Review status: criteria provided, single submitter. Criteria: Ambry Variant Classification Scheme 2023. Collection method: clinical testing. Allele origin: germline.
Comment: The p.S47N variant (also known as c.140G>A), located in coding exon 2 of the MYBPC3 gene, results from a G to A substitution at nucleotide position 140. The serine at codon 47 is replaced by asparagine, an amino acid with highly similar properties. This amino acid position is conserved. In addition, this alteration is predicted to be tolerated by in silico analysis. Based on the available evidence, the clinical significance of this variant remains unclear.

Molecular Diagnostic Laboratory for Inherited Cardiovascular Disease, Montreal Heart Institute
Classification: Uncertain significance for Cardiovascular phenotype. Last evaluated: 2025-04-09. Review status: criteria provided, single submitter. Criteria: ACMG Guidelines, 2015. Collection method: clinical testing. Allele origin: germline. Affected: yes.
Comment: PM2, BP4

All of Us Research Program, National Institutes of Health
Classification: Uncertain significance for Hypertrophic cardiomyopathy. Last evaluated: 2024-05-09. Review status: criteria provided, single submitter. Criteria: ACMG Guidelines, 2015. Collection method: clinical testing. Allele origin: germline. Inheritance: Autosomal dominant inheritance. Observed: 1 variant allele, 1 heterozygote.
Comment: This study involves interpretation of variants in research participants for the purpose of population health screening. Participant phenotype was not available at the time of variant classification. Additional details can be found in publication PMID: 35346344, PMCID: PMC8962531

Labcorp Genetics (formerly Invitae), Labcorp
Classification: Uncertain significance for Hypertrophic cardiomyopathy. Last evaluated: 2020-07-13. Review status: criteria provided, single submitter. Criteria: Invitae Variant Classification Sherloc (09022015). Collection method: clinical testing. Allele origin: germline.
Comment: This variant is not present in population databases (ExAC no frequency). In summary, the available evidence is currently insufficient to determine the role of this variant in disease. Therefore, it has been classified as a Variant of Uncertain Significance. Algorithms developed to predict the effect of missense changes on protein structure and function output the following: SIFT: "Tolerated"; PolyPhen-2: "Benign"; Align-GVGD: "Class C0". The asparagine amino acid residue is found in multiple mammalian species, suggesting that this missense change does not adversely affect protein function. These predictions have not been confirmed by published functional studies and their clinical significance is uncertain. This variant has not been reported in the literature in individuals with MYBPC3-related conditions. This sequence change replaces serine with asparagine at codon 47 of the MYBPC3 protein (p.Ser47Asn). The serine residue is moderately conserved and there is a small physicochemical difference between serine and asparagine.